The following is an entry in ClinVar:

ClinVar aggregate classification (germline): Pathogenic (1 of 4 stars; one submission).

Conditions:
Thrombophilia due to protein S deficiency, autosomal recessive (THPH6). Identifiers: Orphanet 743, MedGen C3281092, MONDO:0013791, OMIM 614514. Disease mechanism: loss of function.

Submission:

Labcorp Genetics (formerly Invitae), Labcorp
Classification: Pathogenic for Thrombophilia due to protein S deficiency, autosomal recessive. Last evaluated: 2025-09-15. Review status: criteria provided, single submitter. Criteria: Invitae Variant Classification Sherloc (09022015). Collection method: clinical testing. Allele origin: germline.
Comment: This sequence change creates a premature translational stop signal (p.Gln102*) in the PROS1 gene. It is expected to result in an absent or disrupted protein product. Loss-of-function variants in PROS1 are known to be pathogenic (PMID: 9241758). This variant is not present in population databases (gnomAD no frequency). This variant has not been reported in the literature in individuals affected with PROS1-related conditions. For these reasons, this variant has been classified as Pathogenic.

Literature cited by the submitters: PubMed 9241758.

NM_000313.4(PROS1):c.304C>T (p.Gln102Ter)

Gene: PROS1 (protein S; minus strand). Cytogenetic location: 3q11.1.
Variant type: single nucleotide variant.
Coding change: c.304C>T on transcript NM_000313.4 (MANE Select); coding-DNA position 304, C replaced by T.
Protein change: p.Gln102Ter; replaces glutamine 102 with a stop codon.
Molecular consequence: nonsense.
Genome position (GRCh38, 1-based): chr3:93,910,661, G>A on the plus strand (C>T on the coding strand, the complement: PROS1 is on the minus strand). VCF-style: chr3-93910661-G-A. GRCh37 (hg19) VCF-style: chr3-93629505-G-A.
Other names: c.400C>T, p.Gln134Ter (NM_001314077.2); short protein forms Q102*, Q134*.
Identifiers: ClinVar variation 4727215 (VCV004727215.1).